The following is an entry in ClinVar:

ClinVar aggregate classification (germline): Uncertain significance. Review status: criteria provided, multiple submitters, no conflicts (2 of 4 stars). 2 submissions from 2 submitters: Uncertain significance (2). Last evaluated 2024-11-25.

Conditions:
Microcephaly, normal intelligence and immunodeficiency (NBS). Also called: Nijmegen breakage syndrome; Immunodeficiency, microcephaly with normal intelligence; SEEMANOVA SYNDROME II; Microcephaly with normal intelligence immunodeficiency and lymphoreticular malignancies; Nonsyndromal microcephaly autosomal recessive with normal intelligence; Seemanova syndrome 2. Identifiers: Orphanet 647, MedGen C0398791, MONDO:0009623, OMIM 251260.
Hereditary cancer-predisposing syndrome. Also called: Neoplastic Syndromes, Hereditary; Tumor predisposition; Hereditary Cancer Syndrome; Hereditary neoplastic syndrome. Identifiers: Orphanet 140162, MedGen C0027672, MeSH D009386, MONDO:0015356.

Allele frequency attached by ClinVar (database versions not stated): gnomAD 0.00001.
gnomAD v4.1: 1 of 1,613,588 alleles (0.000062%); highest among the groups gnomAD compares: African/African-American, 0.0013%; no homozygotes.

Submissions (2):

Ambry Genetics
Classification: Uncertain significance for Hereditary cancer-predisposing syndrome. Last evaluated: 2024-11-25. Review status: criteria provided, single submitter. Criteria: Ambry Variant Classification Scheme 2023. Collection method: clinical testing. Allele origin: germline.
Comment: The p.W289G variant (also known as c.865T>G), located in coding exon 7 of the NBN gene, results from a T to G substitution at nucleotide position 865. The tryptophan at codon 289 is replaced by glycine, an amino acid with highly dissimilar properties. In one study, this alteration was observed in 1/3236 cases with invasive epithelial ovarian cancer and 3/3431 controls (Ramus SJ et al. J Natl Cancer Inst, 2015 Nov;107:). This amino acid position is well conserved in available vertebrate species. In addition, this alteration is predicted to be tolerated by in silico analysis. Since supporting evidence is limited at this time, the clinical significance of this alteration remains unclear.

Labcorp Genetics (formerly Invitae), Labcorp
Classification: Uncertain significance for Microcephaly, normal intelligence and immunodeficiency. Last evaluated: 2022-12-09. Review status: criteria provided, single submitter. Criteria: Invitae Variant Classification Sherloc (09022015). Collection method: clinical testing. Allele origin: germline.
Comment: In summary, the available evidence is currently insufficient to determine the role of this variant in disease. Therefore, it has been classified as a Variant of Uncertain Significance. Algorithms developed to predict the effect of missense changes on protein structure and function are either unavailable or do not agree on the potential impact of this missense change (SIFT: "Tolerated"; PolyPhen-2: "Possibly Damaging"; Align-GVGD: "Class C0"). ClinVar contains an entry for this variant (Variation ID: 567651). This variant has not been reported in the literature in individuals affected with NBN-related conditions. This variant is not present in population databases (gnomAD no frequency). This sequence change replaces tryptophan, which is neutral and slightly polar, with glycine, which is neutral and non-polar, at codon 289 of the NBN protein (p.Trp289Gly).

Literature cited by the submitters: PubMed 26315354 (cited by Ambry Genetics).

NM_002485.5(NBN):c.865T>G (p.Trp289Gly)

Gene: NBN (nibrin; minus strand). Cytogenetic location: 8q21.3.
Variant type: single nucleotide variant.
Coding change: c.865T>G on transcript NM_002485.5 (MANE Select); coding-DNA position 865, T replaced by G.
Protein change: p.Trp289Gly; replaces tryptophan 289 with glycine.
Molecular consequence: missense variant.
Genome position (GRCh38, 1-based): chr8:89,970,395, A>C on the plus strand (T>G on the coding strand, the complement: NBN is on the minus strand). VCF-style: chr8-89970395-A-C. GRCh37 (hg19) VCF-style: chr8-90982623-A-C.
Other names: c.619T>G, p.Trp207Gly (NM_001024688.3); short protein forms W289G, W207G.
Identifiers: ClinVar variation 567651 (VCV000567651.15), dbSNP rs1563559145, ClinGen allele CA371658329.
Genomic context (GRCh38, chr8:89,970,395, plus strand): 5'-TTTTTTACTAATAAAGAATAATTCTATACCTTTGGAGCATATCCATTATTGACTGAATCC[A>C]TTTCTTCTGACAGTCAGGAATTAAGGTCTGTGAGTTTGTTATTCCTGTATCAACAACACA-3'
Protein context (NP_002476.2, residues 279-299): QTLIPDCQKK[Trp289Gly]IQSIMDMLQR